The following is an entry in ClinVar:

NM_000038.6(APC):c.5816A>G (p.Asp1939Gly)

Gene: APC (APC regulator of Wnt signaling pathway; plus strand). Cytogenetic location: 5q22.2.
Variant type: single nucleotide variant.
Coding change: c.5816A>G on transcript NM_000038.6 (MANE Select); coding-DNA position 5816, A replaced by G.
Protein change: p.Asp1939Gly; replaces aspartic acid 1939 with glycine.
Molecular consequence: missense variant.
Genome position (GRCh38, 1-based): chr5:112,841,410, A>G. VCF-style: chr5-112841410-A-G. GRCh37 (hg19) VCF-style: chr5-112177107-A-G.
Other names: c.5816A>G, p.Asp1939Gly (NM_001127510.3, NM_001354895.2); c.5762A>G, p.Asp1921Gly (NM_001127511.3); c.5870A>G, p.Asp1957Gly (NM_001354896.2); c.5846A>G, p.Asp1949Gly (NM_001354897.2); c.5741A>G, p.Asp1914Gly (NM_001354898.2); c.5732A>G, p.Asp1911Gly (NM_001354899.2); c.5693A>G, p.Asp1898Gly (NM_001354900.2); c.5639A>G, p.Asp1880Gly (NM_001354901.2); and 5 more; short protein forms D1898G, D1911G, D1921G, D1949G, D1779G, D1656G, D1880G, D1914G.
Identifiers: ClinVar variation 1504184 (VCV001504184.8), dbSNP rs754783550, ClinGen allele CA16034056.

ClinVar aggregate classification (germline): Uncertain significance. Review status: criteria provided, multiple submitters, no conflicts (2 of 4 stars). 2 submissions from 2 submitters: Uncertain significance (2). Last evaluated 2025-09-03.

Conditions:
Hereditary cancer-predisposing syndrome. Also called: Hereditary neoplastic syndrome; Tumor predisposition; Neoplastic Syndromes, Hereditary; Hereditary Cancer Syndrome. Identifiers: Orphanet 140162, MedGen C0027672, MeSH D009386, MONDO:0015356.
Familial adenomatous polyposis 1 (FAP1). Also called: FAMILIAL ADENOMATOUS POLYPOSIS 1, ATTENUATED; POLYPOSIS, ADENOMATOUS INTESTINAL. Identifiers: MedGen C2713442, MONDO:0021056, OMIM 175100. Disease mechanism: loss of function.

Submissions (2):

Labcorp Genetics (formerly Invitae), Labcorp
Classification: Uncertain significance for Familial adenomatous polyposis 1. Last evaluated: 2025-09-03. Review status: criteria provided, single submitter. Criteria: Invitae Variant Classification Sherloc (09022015). Collection method: clinical testing. Allele origin: germline.
Comment: This sequence change replaces aspartic acid, which is acidic and polar, with glycine, which is neutral and non-polar, at codon 1939 of the APC protein (p.Asp1939Gly). This variant is not present in population databases (gnomAD no frequency). This variant has not been reported in the literature in individuals affected with APC-related conditions. ClinVar contains an entry for this variant (Variation ID: 1504184). Invitae Evidence Modeling of protein sequence and biophysical properties (such as structural, functional, and spatial information, amino acid conservation, physicochemical variation, residue mobility, and thermodynamic stability) indicates that this missense variant is not expected to disrupt APC protein function with a negative predictive value of 95%. In summary, the available evidence is currently insufficient to determine the role of this variant in disease. Therefore, it has been classified as a Variant of Uncertain Significance.

Ambry Genetics
Classification: Uncertain significance for Hereditary cancer-predisposing syndrome. Last evaluated: 2021-02-24. Review status: criteria provided, single submitter. Criteria: Ambry Variant Classification Scheme 2023. Collection method: clinical testing. Allele origin: germline.
Comment: The p.D1939G variant (also known as c.5816A>G), located in coding exon 15 of the APC gene, results from an A to G substitution at nucleotide position 5816. The aspartic acid at codon 1939 is replaced by glycine, an amino acid with similar properties. This amino acid position is not well conserved in available vertebrate species. In addition, in silico predictors for this gene do not accurately predict pathogenicity. Since supporting evidence is limited at this time, the clinical significance of this alteration remains unclear.